The following is an entry in ClinVar:

ClinVar aggregate classification (germline): Likely pathogenic (1 of 4 stars; one submission).

Conditions:
Gaucher disease. Also called: Acute cerebral Gaucher disease; Cerebroside lipidosis syndrome; Gaucher splenomegaly; Sphingolipidosis 1; Glucocerebrosidosis; Glucosylceramidase deficiency. Identifiers: Orphanet 355, MedGen C0017205, MONDO:0018150.

Submission:

Natera, Inc.
Classification: Likely pathogenic for Gaucher disease. Last evaluated: 2025-06-23. Review status: criteria provided, single submitter. Criteria: Natera Variant Classification Schema (03/2026). Collection method: clinical testing. Allele origin: germline.
Comment: The c.307+1G>A variant in GBA1 is a canonical splice donor site variant predicted to affect pre-mRNA splicing, which may result in an abnormal transcript and altered protein product. This variant is expected to result in nonsense mediated decay, truncation, or a dysfunctional protein product. This variant is rare in the general population with a frequency below the threshold expected for the associated phenotype(s). Given the available evidence, this variant is classified as Likely Pathogenic.

NM_000157.4(GBA1):c.307+1G>A

Genes: GBA1 (glucosylceramidase beta 1; minus strand), LOC106627981 (GBA recombination region; plus strand). Cytogenetic location: 1q22.
Variant type: single nucleotide variant.
Coding change: c.307+1G>A on transcript NM_000157.4 (MANE Select); the canonical splice donor site of the intron after coding-DNA position 307, G replaced by A.
Molecular consequence: splice donor variant.
Genome position (GRCh38, 1-based): chr1:155,239,885, C>T on the plus strand (G>A on the coding strand, the complement: GBA1 is on the minus strand). VCF-style: chr1-155239885-C-T. GRCh37 (hg19) VCF-style: chr1-155209676-C-T.
Other names: c.46+1G>A (NM_001171811.2); c.307+1G>A (NM_001005742.3, NM_001005741.3, NM_001171812.2).
Identifiers: ClinVar variation 4817747 (VCV004817747.1).